The following is an entry in ClinVar:

NM_001039355.3(SLC25A29):c.249C>T (p.Thr83=)

Gene: SLC25A29 (solute carrier family 25 member 29; minus strand). Cytogenetic location: 14q32.2.
Variant type: single nucleotide variant.
Coding change: c.249C>T on transcript NM_001039355.3 (MANE Select); coding-DNA position 249, C replaced by T.
Protein change: p.Thr83=; no amino-acid change (threonine 83 retained).
Molecular consequence: synonymous variant.
Genome position (GRCh38, 1-based): chr14:100,292,946, G>A on the plus strand (C>T on the coding strand, the complement: SLC25A29 is on the minus strand). VCF-style: chr14-100292946-G-A. GRCh37 (hg19) VCF-style: chr14-100759283-G-A.
Other names: p.Thr83=; c.51C>T, p.Thr17= (NM_001291813.2, NM_001291814.2, NM_001352820.2 and 3 more transcripts); c.408C>T, p.Thr136= (NM_001352821.2).
Identifiers: ClinVar variation 4683927 (VCV004683927.1).
Genomic context (GRCh38, chr14:100,292,946, plus strand): 5'-GCCCGCCGCCGCACCTGCCAGGAACTGGTTGAGGGGCGAGTCGTGGCCCAGGGCCCGGAG[G>A]GTGTTGCCCTGCACCCCGAACACCAGCGCGTTGATGAAGGTGAGCCCCATGAGCGGCGAG-3'
Protein context (NP_001034444.1, residues 73-93): NALVFGVQGN[Thr83=]LRALGHDSPL

ClinVar aggregate classification (germline): Likely benign (1 of 4 stars; one submission).

gnomAD v4.1: 6,431 of 1,606,444 alleles (0.4%); highest among the groups gnomAD compares: Non-Finnish European, 0.5%; 17 homozygotes.

Submission:

Mayo Clinic Laboratories, Mayo Clinic
Classification: Likely benign. Last evaluated: 2025-04-14. Review status: criteria provided, single submitter. Criteria: ACMG Guidelines, 2015. Collection method: clinical testing. Allele origin: germline. Observed: 1 variant allele.
Comment: BP4, BP7